The following is an entry in ClinVar:

NM_005475.3(SH2B3):c.1300G>A (p.Val434Ile)

Gene: SH2B3 (SH2B adaptor protein 3; plus strand). Cytogenetic location: 12q24.12.
Variant type: single nucleotide variant.
Coding change: c.1300G>A on transcript NM_005475.3 (MANE Select); coding-DNA position 1300, G replaced by A.
Protein change: p.Val434Ile; replaces valine 434 with isoleucine.
Molecular consequence: missense variant.
Genome position (GRCh38, 1-based): chr12:111,447,719, G>A. VCF-style: chr12-111447719-G-A. GRCh37 (hg19) VCF-style: chr12-111885523-G-A.
Other names: c.694G>A, p.Val232Ile (NM_001291424.1); short protein forms V434I, V232I.
Identifiers: ClinVar variation 3794991 (VCV003794991.1).
Genomic context (GRCh38, chr12:111,447,719, plus strand): 5'-CTGCGCCTGTCGCTGACAGAGCGGGGCCAGTGCCGTGTGCAGCACCTCCACTTTCCCTCG[G>A]TCGTGGACATGCTCCACCACTTCCAGCGCTCGCCCATCCCACTCGAGTGCGGCGCCGCCT-3'
Protein context (NP_005466.1, residues 424-444): CRVQHLHFPS[Val434Ile]VDMLHHFQRS

ClinVar aggregate classification (germline): Uncertain significance (1 of 4 stars; one submission).

Conditions:
Inborn genetic diseases. Identifiers: MedGen C0950123, MeSH D030342.

gnomAD v4.1: 8 of 1,613,970 alleles (0.0005%); highest among the groups gnomAD compares: Non-Finnish European, 0.00051%; no homozygotes.

Submission:

Ambry Genetics
Classification: Uncertain significance for Inborn genetic diseases. Last evaluated: 2024-12-13. Review status: criteria provided, single submitter. Criteria: Ambry Variant Classification Scheme 2023. Collection method: clinical testing. Allele origin: germline.
Comment: The p.V434I variant (also known as c.1300G>A), located in coding exon 6 of the SH2B3 gene, results from a G to A substitution at nucleotide position 1300. The valine at codon 434 is replaced by isoleucine, an amino acid with highly similar properties. This amino acid position is conserved. In addition, this alteration is predicted to be tolerated by in silico analysis. Based on the available evidence, the clinical significance of this variant remains unclear.